The following is an entry in ClinVar:

ClinVar aggregate classification (germline): Conflicting classifications of pathogenicity. Review status: criteria provided, conflicting classifications (1 of 4 stars). 2 submissions from 2 submitters: Uncertain significance (1); Likely benign (1). Last evaluated 2023-12-07.

Conditions:
Familial sleep-related hypermotor epilepsy. Also called: Autosomal Dominant Sleep-Related Hypermotor (Hyperkinetic) Epilepsy. Identifiers: Orphanet 98784, MedGen C3696898, MONDO:0000030.
Inborn genetic diseases. Identifiers: MedGen C0950123, MeSH D030342.

Allele frequency attached by ClinVar (database versions not stated): gnomAD 0.00002.
gnomAD v4.1: 19 of 1,612,528 alleles (0.0012%); highest among the groups gnomAD compares: Non-Finnish European, 0.0014%; no homozygotes.

Submissions (2):

Labcorp Genetics (formerly Invitae), Labcorp
Classification: Likely benign. Last evaluated: 2023-12-07. Review status: criteria provided, single submitter. Criteria: Invitae Variant Classification Sherloc (09022015). Collection method: clinical testing. Allele origin: germline.

Ambry Genetics
Classification: Uncertain significance for Inborn genetic diseases. Last evaluated: 2017-09-26. Review status: criteria provided, single submitter. Criteria: Ambry Variant Classification Scheme 2023. Collection method: clinical testing. Allele origin: germline.
Comment: The p.A134V variant (also known as c.401C>T), located in coding exon 5 of the CHRNA4 gene, results from a C to T substitution at nucleotide position 401. The alanine at codon 134 is replaced by valine, an amino acid with similar properties. This amino acid position is well conserved in available vertebrate species. In addition, the in silico prediction for this alteration is inconclusive. Since supporting evidence is limited at this time, the clinical significance of this alteration remains unclear.

NM_000744.7(CHRNA4):c.401C>T (p.Ala134Val)

Gene: CHRNA4 (cholinergic receptor nicotinic alpha 4 subunit; minus strand). Cytogenetic location: 20q13.33.
Variant type: single nucleotide variant.
Coding change: c.401C>T on transcript NM_000744.7 (MANE Select); coding-DNA position 401, C replaced by T.
Protein change: p.Ala134Val; replaces alanine 134 with valine.
Molecular consequence: missense variant. On other transcripts: 5 prime UTR variant (1), non-coding transcript variant (1).
Genome position (GRCh38, 1-based): chr20:63,351,010, G>A on the plus strand (C>T on the coding strand, the complement: CHRNA4 is on the minus strand). VCF-style: chr20-63351010-G-A. GRCh37 (hg19) VCF-style: chr20-61982362-G-A.
Other names: c.-128C>T (NM_001256573.2); short protein forms A134V.
Identifiers: ClinVar variation 852041 (VCV000852041.10), dbSNP rs201376529, ClinGen allele CA9957804.